The following is an entry in ClinVar:

NM_022051.3(EGLN1):c.1193G>A (p.Arg398Gln)

Gene: EGLN1 (egl-9 family hypoxia inducible factor 1; minus strand). Cytogenetic location: 1q42.2.
Variant type: single nucleotide variant.
Coding change: c.1193G>A on transcript NM_022051.3 (MANE Select); coding-DNA position 1193, G replaced by A.
Protein change: p.Arg398Gln; replaces arginine 398 with glutamine.
Molecular consequence: missense variant. On other transcripts: 3 prime UTR variant (1), intron variant (1).
Genome position (GRCh38, 1-based): chr1:231,367,592, C>T on the plus strand (G>A on the coding strand, the complement: EGLN1 is on the minus strand). VCF-style: chr1-231367592-C-T. GRCh37 (hg19) VCF-style: chr1-231503338-C-T.
Other names: c.*18G>A (NM_001377261.1); c.1149-1117G>A (NM_001377260.1); short protein forms R398Q.
Identifiers: ClinVar variation 1745476 (VCV001745476.7), dbSNP rs760013506, ClinGen allele CA1453004.

ClinVar aggregate classification (germline): Uncertain significance. Review status: criteria provided, multiple submitters, no conflicts (2 of 4 stars). 2 submissions from 2 submitters: Uncertain significance (2). Last evaluated 2025-11-13.

Conditions:
Erythrocytosis, familial, 3 (ECYT3). Identifiers: Orphanet 247511, MedGen C1853286, MONDO:0012353, OMIM 609820.

Allele frequency attached by ClinVar (database versions not stated): gnomAD exomes below 0.00001; ExAC 0.00001; gnomAD 0.00001; TOPMed 0.00002.

Submissions (2):

Ambry Genetics
Classification: Uncertain significance. Last evaluated: 2025-11-13. Review status: criteria provided, single submitter. Criteria: Ambry Variant Classification Scheme 2023. Collection method: clinical testing. Allele origin: germline.
Comment: The p.R398Q variant (also known as c.1193G>A), located in coding exon 4 of the EGLN1 gene, results from a G to A substitution at nucleotide position 1193. The arginine at codon 398 is replaced by glutamine, an amino acid with highly similar properties. This amino acid position is conserved. In addition, the in silico prediction for this alteration is inconclusive. Since supporting evidence is limited at this time, the clinical significance of this alteration remains unclear.

Labcorp Genetics (formerly Invitae), Labcorp
Classification: Uncertain significance for Erythrocytosis, familial, 3. Last evaluated: 2025-05-12. Review status: criteria provided, single submitter. Criteria: Invitae Variant Classification Sherloc (09022015). Collection method: clinical testing. Allele origin: germline.
Comment: This sequence change replaces arginine, which is basic and polar, with glutamine, which is neutral and polar, at codon 398 of the EGLN1 protein (p.Arg398Gln). This variant is present in population databases (rs760013506, gnomAD 0.007%). This variant has not been reported in the literature in individuals affected with EGLN1-related conditions. ClinVar contains an entry for this variant (Variation ID: 1745476). An algorithm developed to predict the effect of missense changes on protein structure and function (PolyPhen-2) suggests that this variant is likely to be tolerated. In summary, the available evidence is currently insufficient to determine the role of this variant in disease. Therefore, it has been classified as a Variant of Uncertain Significance.